The following is an entry in ClinVar:

NM_000136.3(FANCC):c.169del (p.Ser57fs)

Gene: FANCC (FA complementation group C; minus strand). Cytogenetic location: 9q22.32.
Variant type: Deletion.
Coding change: c.169del on transcript NM_000136.3 (MANE Select); coding-DNA position 169, one base deleted (T; older notation c.169delT).
Protein change: p.Ser57fs; shifts the reading frame from serine 57.
Molecular consequence: frameshift variant.
Genome position (GRCh38, 1-based): chr9:95,247,513, A deleted on the plus strand (T on the coding strand, the reverse complement: FANCC is on the minus strand); the first of 2 consecutive A bases (chr9:95,247,513-95,247,514); deleting either gives the same sequence. VCF-style (leftmost placement, unchanged base first): chr9-95247512-GA-G. GRCh37 (hg19) VCF-style: chr9-98009794-GA-G.
Other names: c.169delT (NM_000136.2); c.169del, p.Ser57fs (NM_001243743.2, NM_001243744.2); short protein forms S57fs.
Identifiers: ClinVar variation 2675467 (VCV002675467.2), dbSNP rs2542844483, ClinGen allele CA2695201599.

ClinVar aggregate classification (germline): Pathogenic/Likely pathogenic. Review status: criteria provided, multiple submitters, no conflicts (2 of 4 stars). 2 submissions from 2 submitters: Pathogenic (1); Likely pathogenic (1). Last evaluated 2023-10-26.

Conditions:
Hereditary cancer-predisposing syndrome. Also called: Neoplastic Syndromes, Hereditary; Tumor predisposition; Hereditary Cancer Syndrome; Hereditary neoplastic syndrome. Identifiers: Orphanet 140162, MedGen C0027672, MeSH D009386, MONDO:0015356.
Fanconi anemia complementation group C (FANCC). Also called: FANCONI PANCYTOPENIA, TYPE 3; FACC; FANCC-Related Fanconi Anemia; Fanconi anemia, group C. Identifiers: Orphanet 84, MedGen C3468041, MONDO:0009213, OMIM 227645.

Submissions (2):

Ambry Genetics
Classification: Pathogenic for Hereditary cancer-predisposing syndrome. Last evaluated: 2023-10-26. Review status: criteria provided, single submitter. Criteria: Ambry Variant Classification Scheme 2023. Collection method: clinical testing. Allele origin: germline.
Comment: The c.169delT pathogenic mutation, located in coding exon 2 of the FANCC gene, results from a deletion of one nucleotide at nucleotide position 169, causing a translational frameshift with a predicted alternate stop codon (p.S57Lfs*25). This alteration is expected to result in loss of function by premature protein truncation or nonsense-mediated mRNA decay. As such, this alteration is interpreted as a disease-causing mutation.

Baylor Genetics
Classification: Likely pathogenic for Fanconi anemia complementation group C. Last evaluated: 2023-06-14. Review status: criteria provided, single submitter. Criteria: ACMG Guidelines, 2015. Collection method: clinical testing. Allele origin: unknown.